The following is an entry in ClinVar:

ClinVar aggregate classification (germline): Likely benign (1 of 4 stars; one submission).

Submission:

CeGaT Center for Human Genetics Tuebingen
Classification: Likely benign. Last evaluated: 2025-02-01. Review status: criteria provided, single submitter. Criteria: CeGaT Center For Human Genetics Tuebingen Variant Classification Criteria Version 2. Collection method: clinical testing. Allele origin: germline. Affected: yes. Observed: 1 variant allele.
Comment: POPDC1: PM2:Supporting, BP4, BP7

NM_001199563.2(POPDC1):c.81G>C (p.Val27=)

Gene: POPDC1 (popeye domain cAMP effector 1; minus strand). Cytogenetic location: 6q21.
Variant type: single nucleotide variant.
Coding change: c.81G>C on transcript NM_001199563.2 (MANE Select); coding-DNA position 81, G replaced by C.
Protein change: p.Val27=; no amino-acid change (valine 27 retained).
Molecular consequence: synonymous variant.
Genome position (GRCh38, 1-based): chr6:105,133,497, C>G on the plus strand (G>C on the coding strand, the complement: POPDC1 is on the minus strand). VCF-style: chr6-105133497-C-G. GRCh37 (hg19) VCF-style: chr6-105581372-C-G.
Other names: c.81G>C, p.Val27= (NM_007073.4, NM_147147.4).
Identifiers: ClinVar variation 3772456 (VCV003772456.13).
Genomic context (GRCh38, chr6:105,133,497, plus strand): 5'-TACATGAAAAACCAGATGATGTATCTCTCTCCAGTTTTCACAAGTGGTCTTATTGGAAGG[C>G]ACAGGTATGATACTTTCTAACTCAGGTGTAAAACCTATGGCAGTTGATTCTCTCAATGGG-3'
Protein context (NP_001186492.1, residues 17-37): FTPELESIIP[Val27=]PSNKTTCENW